The following is an entry in ClinVar:

NM_004329.3(BMPR1A):c.265G>A (p.Asp89Asn)

Gene: BMPR1A (bone morphogenetic protein receptor type 1A; plus strand). Cytogenetic location: 10q23.2.
Variant type: single nucleotide variant.
Coding change: c.265G>A on transcript NM_004329.3 (MANE Select); coding-DNA position 265, G replaced by A.
Protein change: p.Asp89Asn; replaces aspartic acid 89 with asparagine.
Molecular consequence: missense variant. On other transcripts: non-coding transcript variant (3).
Genome position (GRCh38, 1-based): chr10:86,892,161, G>A. VCF-style: chr10-86892161-G-A. GRCh37 (hg19) VCF-style: chr10-88651918-G-A.
Other names: c.265G>A, p.Asp89Asn (NM_001406559.1, NM_001406560.1, NM_001406561.1 and 23 more transcripts); c.181G>A, p.Asp61Asn (NM_001406584.1, NM_001406585.1, NM_001406586.1 and 2 more transcripts); short protein forms D61N, D89N.
Identifiers: ClinVar variation 2809828 (VCV002809828.3), dbSNP rs2539445617, ClinGen allele CA377448056.

ClinVar aggregate classification (germline): Uncertain significance (1 of 4 stars; one submission).

Conditions:
Juvenile polyposis syndrome (JPS). Identifiers: Orphanet 2929, MedGen C0345893, MONDO:0017380, OMIM 174900.

Submission:

Labcorp Genetics (formerly Invitae), Labcorp
Classification: Uncertain significance for Juvenile polyposis syndrome. Last evaluated: 2022-10-27. Review status: criteria provided, single submitter. Criteria: Invitae Variant Classification Sherloc (09022015). Collection method: clinical testing. Allele origin: germline.
Comment: Advanced modeling of protein sequence and biophysical properties (such as structural, functional, and spatial information, amino acid conservation, physicochemical variation, residue mobility, and thermodynamic stability) performed at Invitae indicates that this missense variant is not expected to disrupt BMPR1A protein function. In summary, the available evidence is currently insufficient to determine the role of this variant in disease. Therefore, it has been classified as a Variant of Uncertain Significance. This variant has not been reported in the literature in individuals affected with BMPR1A-related conditions. This variant is not present in population databases (gnomAD no frequency). This sequence change replaces aspartic acid, which is acidic and polar, with asparagine, which is neutral and polar, at codon 89 of the BMPR1A protein (p.Asp89Asn).